The following is an entry in ClinVar:

NM_001267550.2(TTN):c.6388G>A (p.Glu2130Lys)

Gene: TTN (titin; minus strand). Cytogenetic location: 2q31.2.
Variant type: single nucleotide variant.
Coding change: c.6388G>A on transcript NM_001267550.2 (MANE Select); coding-DNA position 6388, G replaced by A.
Protein change: p.Glu2130Lys; replaces glutamic acid 2130 with lysine.
Molecular consequence: missense variant.
Genome position (GRCh38, 1-based): chr2:178,775,476, C>T on the plus strand (G>A on the coding strand, the complement: TTN is on the minus strand). VCF-style: chr2-178775476-C-T. GRCh37 (hg19) VCF-style: chr2-179640203-C-T.
Other names: c.6388G>A, p.Glu2130Lys (NM_001256850.1, NM_133378.4, NM_133379.5); c.6250G>A, p.Glu2084Lys (NM_003319.4, NM_133432.3, NM_133437.4); short protein forms E2084K, E2130K.
Identifiers: ClinVar variation 1329182 (VCV001329182.4), dbSNP rs762914675, ClinGen allele CA2005056.

ClinVar aggregate classification (germline): Uncertain significance. Review status: criteria provided, multiple submitters, no conflicts (2 of 4 stars). 3 submissions from 3 submitters: Uncertain significance (3). Last evaluated 2026-04-21.

Conditions:
Cardiomyopathy (CMYO). Also called: Cardiomyopathies. Identifiers: Orphanet 167848, MedGen C0878544, MONDO:0004994, HP:0001638. Inheritance: Various modes of inheritance.
TTN-related disorder. Also called: TTN-related disorders; TTN-related condition; TTN-related disease.

Allele frequency attached by ClinVar (database versions not stated): gnomAD 0.00001; gnomAD exomes 0.00002 and 0.00004; ExAC 0.00003; TOPMed 0.00003.
gnomAD v4.1: 31 of 1,613,852 alleles (0.0019%); highest among the groups gnomAD compares: South Asian, 0.0099%; no homozygotes.

Submissions (3):

PreventionGenetics, part of Exact Sciences
Classification: Uncertain significance for TTN-related condition. Last evaluated: 2026-04-21. Review status: criteria provided, single submitter. Criteria: ACMG Guidelines, 2015. Collection method: clinical testing. Allele origin: germline.
Comment: The TTN c.6388G>A variant is predicted to result in the amino acid substitution p.Glu2130Lys. To our knowledge, this variant has not been reported in the literature. This variant is reported in 0.013% of alleles in individuals of South Asian descent in gnomAD. At this time, the clinical significance of this variant is uncertain due to the absence of conclusive functional and genetic evidence.

CeGaT Center for Human Genetics Tuebingen
Classification: Uncertain significance. Last evaluated: 2022-05-01. Review status: criteria provided, single submitter. Criteria: Praxis fuer Humangenetik Tuebingen - Variant Classification Criteria. Collection method: clinical testing. Allele origin: germline. Affected: yes. Observed: 1 variant allele.

CHEO Genetics Diagnostic Laboratory, Children's Hospital of Eastern Ontario
Classification: Uncertain significance for Cardiomyopathy. Last evaluated: 2019-08-26. Review status: criteria provided, single submitter. Criteria: ACMG Guidelines, 2015. Collection method: clinical testing. Allele origin: germline.